The following is an entry in ClinVar:

NM_014000.3(VCL):c.173G>C (p.Gly58Ala)

Gene: VCL (vinculin; plus strand). Cytogenetic location: 10q22.2.
Variant type: single nucleotide variant.
Coding change: c.173G>C on transcript NM_014000.3 (MANE Select); coding-DNA position 173, G replaced by C.
Protein change: p.Gly58Ala; replaces glycine 58 with alanine.
Molecular consequence: missense variant.
Genome position (GRCh38, 1-based): chr10:74,043,087, G>C. VCF-style: chr10-74043087-G-C. GRCh37 (hg19) VCF-style: chr10-75802845-G-C.
Other names: c.173G>C, p.Gly58Ala (NM_003373.4); short protein forms G58A.
Identifiers: ClinVar variation 2586045 (VCV002586045.2), dbSNP rs1841125642, ClinGen allele CA377259918.

ClinVar aggregate classification (germline): Uncertain significance (1 of 4 stars; one submission).

Conditions:
Cardiovascular phenotype. Identifiers: MedGen CN230736.

Allele frequency attached by ClinVar (database versions not stated): TOPMed 0.00001.
gnomAD v4.1: 1 of 1,613,036 alleles (0.000062%); no homozygotes.

Submission:

Ambry Genetics
Classification: Uncertain significance for Cardiovascular phenotype. Last evaluated: 2023-08-13. Review status: criteria provided, single submitter. Criteria: Ambry Variant Classification Scheme 2023. Collection method: clinical testing. Allele origin: germline.
Comment: The p.G58A variant (also known as c.173G>C), located in coding exon 2 of the VCL gene, results from a G to C substitution at nucleotide position 173. The glycine at codon 58 is replaced by alanine, an amino acid with similar properties. This amino acid position is conserved. In addition, this alteration is predicted to be tolerated by in silico analysis. Since supporting evidence is limited at this time, the clinical significance of this alteration remains unclear.